The following is an entry in ClinVar:

NM_001367479.1(DNAH14):c.11852C>A (p.Ser3951Tyr)

Gene: DNAH14 (dynein axonemal heavy chain 14; plus strand). Cytogenetic location: 1q42.12.
Variant type: single nucleotide variant.
Coding change: c.11852C>A on transcript NM_001367479.1 (MANE Select); coding-DNA position 11852, C replaced by A.
Protein change: p.Ser3951Tyr; replaces serine 3951 with tyrosine.
Molecular consequence: missense variant.
Genome position (GRCh38, 1-based): chr1:225,360,756, C>A. VCF-style: chr1-225360756-C-A. GRCh37 (hg19) VCF-style: chr1-225548458-C-A.
Other names: NM_001373.1:c.11573C>A; short protein forms S3951Y.
Identifiers: ClinVar variation 3776720 (VCV003776720.1).

ClinVar aggregate classification (germline): Uncertain significance (1 of 4 stars; one submission).

Submission:

GeneDx
Classification: Uncertain significance. Last evaluated: 2024-10-06. Review status: criteria provided, single submitter. Criteria: GeneDx Variant Classification Process June 2021. Collection method: clinical testing. Allele origin: germline. Affected: yes.
Comment: Not observed at significant frequency in large population cohorts (gnomAD); In silico analysis supports that this missense variant has a deleterious effect on protein structure/function; Has not been previously published as pathogenic or benign to our knowledge